The following is an entry in ClinVar:

ClinVar aggregate classification (germline): Benign. Review status: criteria provided, multiple submitters, no conflicts (2 of 4 stars). 2 submissions from 2 submitters: Benign (2). Last evaluated 2018-01-12.

Conditions:
Landau-Kleffner syndrome (FESD). Also called: EPILEPSY, FOCAL, WITH SPEECH DISORDER AND WITH OR WITHOUT MENTAL RETARDATION; APHASIA, ACQUIRED, WITH EPILEPSY. Identifiers: Orphanet 1945, Orphanet 725, Orphanet 98818, MedGen C0282512, MONDO:0009509, OMIM 245570.

Allele frequency attached by ClinVar (database versions not stated): gnomAD 0.03883 and 0.03996; 1000 Genomes Project 0.01697; 1000 Genomes Project 30x 0.01858; TOPMed 0.03823; gnomAD exomes 0.04622.
gnomAD v4.1: 9,421 of 227,592 alleles (4.1%); highest among the groups gnomAD compares: Non-Finnish European, 6.1%; 285 homozygotes.

Submissions (2):

Illumina Laboratory Services, Illumina
Classification: Benign for Landau-Kleffner syndrome. Last evaluated: 2018-01-12. Review status: criteria provided, single submitter. Criteria: ICSL Variant Classification Criteria 13 December 2019. Collection method: clinical testing. Allele origin: germline.
Comment: This variant was observed in the ICSL laboratory as part of a predisposition screen in an ostensibly healthy population. It had not been previously curated by ICSL or reported in the Human Gene Mutation Database (HGMD: prior to June 1st, 2018), and was therefore a candidate for classification through an automated scoring system. Utilizing variant allele frequency, disease prevalence and penetrance estimates, and inheritance mode, an automated score was calculated to assess if this variant is too frequent to cause the disease. Based on the score and internal cut-off values, a variant classified as benign is not then subjected to further curation. The score for this variant resulted in a classification of benign for this disease.

Breakthrough Genomics
Classification: Benign. Review status: criteria provided, single submitter. Criteria: ACMG Guidelines, 2015. Collection method: not provided. Allele origin: germline. Inheritance: Autosomal dominant inheritance. Affected: yes.

NM_001134407.3(GRIN2A):c.*6906T>G

Gene: GRIN2A (glutamate ionotropic receptor NMDA type subunit 2A; minus strand). Cytogenetic location: 16p13.2.
Variant type: single nucleotide variant.
Coding change: c.*6906T>G on transcript NM_001134407.3 (MANE Select); 6906 bases downstream of the stop codon, T replaced by G.
Molecular consequence: 3 prime UTR variant.
Genome position (GRCh38, 1-based): chr16:9,756,243, A>C on the plus strand (T>G on the coding strand, the complement: GRIN2A is on the minus strand). VCF-style: chr16-9756243-A-C. GRCh37 (hg19) VCF-style: chr16-9850100-A-C.
Other names: c.*6906T>G (NM_000833.5); c.*7112T>G (NM_001134408.2).
Identifiers: ClinVar variation 321495 (VCV000321495.6), dbSNP rs17791953, ClinGen allele CA10648457.